The following is an entry in ClinVar:

NM_001098.3(ACO2):c.2135C>T (p.Pro712Leu)

Genes: ACO2 (aconitase 2; plus strand), POLR3H (RNA polymerase III subunit H; minus strand). Cytogenetic location: 22q13.2.
Variant type: single nucleotide variant.
Coding change: c.2135C>T on transcript NM_001098.3 (MANE Select); coding-DNA position 2135, C replaced by T.
Protein change: p.Pro712Leu; replaces proline 712 with leucine.
Molecular consequence: missense variant. On other transcripts: 3 prime UTR variant (5).
Genome position (GRCh38, 1-based): chr22:41,527,949, C>T. VCF-style: chr22-41527949-C-T. GRCh37 (hg19) VCF-style: chr22-41923953-C-T.
Other names: c.*1334G>A (NM_001018050.4, NM_001018052.4, NM_001282884.2 and 2 more transcripts); short protein forms P712L.
Identifiers: ClinVar variation 218317 (VCV000218317.18), dbSNP rs375761361, ClinGen allele CA250422.
Genomic context (GRCh38, chr22:41,527,949, plus strand): 5'-CCTGCTTTCCAGAGACCAACCTGAAGAAACAGGGCCTGCTGCCTCTGACCTTCGCTGACC[C>T]GGCTGACTACAACAAGATTCACCCTGTGGACAAGCTGACCATTCAGGGCCTGAAGGACTT-3'
Protein context (NP_001089.1, residues 702-722): QGLLPLTFAD[Pro712Leu]ADYNKIHPVD

ClinVar aggregate classification (germline): Conflicting classifications of pathogenicity. Review status: criteria provided, conflicting classifications (1 of 4 stars). 8 submissions from 8 submitters: Pathogenic (1); Likely pathogenic (5); Uncertain significance (1). 1 of the submissions does not count toward it. Last evaluated 2025-07-31.

Conditions:
ACO2-related disorder. Also called: ACO2-Related Disorders.
Infantile cerebellar-retinal degeneration (ICRD). Identifiers: Orphanet 313850, MedGen C3281192, MONDO:0013802, OMIM 614559.

Allele frequency attached by ClinVar (database versions not stated): ESP Exome Variant Server 0.00008; gnomAD 0.00010; TOPMed 0.00012.
gnomAD v4.1: 65 of 1,614,072 alleles (0.004%); highest among the groups gnomAD compares: African/African-American, 0.075%; no homozygotes.

Submissions (8):

Labcorp Genetics (formerly Invitae), Labcorp
Classification: Pathogenic. Last evaluated: 2025-07-31. Review status: criteria provided, single submitter. Criteria: Invitae Variant Classification Sherloc (09022015). Collection method: clinical testing. Allele origin: germline.
Comment: This sequence change replaces proline, which is neutral and non-polar, with leucine, which is neutral and non-polar, at codon 712 of the ACO2 protein (p.Pro712Leu). This variant is present in population databases (rs375761361, gnomAD 0.04%). This missense change has been observed in individuals with clinical features of infantile cerebellar-retinal degeneration (PMID: 26992325, 29564393). It has also been observed to segregate with disease in related individuals. ClinVar contains an entry for this variant (Variation ID: 218317). Invitae Evidence Modeling of protein sequence and biophysical properties (such as structural, functional, and spatial information, amino acid conservation, physicochemical variation, residue mobility, and thermodynamic stability) indicates that this missense variant is not expected to disrupt ACO2 protein function with a negative predictive value of 80%. For these reasons, this variant has been classified as Pathogenic.

Greenwood Genetic Center Diagnostic Laboratories, Greenwood Genetic Center
Classification: Likely pathogenic for ACO2-related disorder. Last evaluated: 2025-01-16. Review status: criteria provided, single submitter. Criteria: ACMG Guidelines, 2015. Collection method: clinical testing. Allele origin: germline. Affected: yes.
Comment: PS3_Moderate, PM2, PM3, PP2

Blueprint Genetics
Classification: Likely pathogenic for ACO2-related disorders. Last evaluated: 2024-09-09. Review status: criteria provided, single submitter. Criteria: ACMG Guidelines, 2015. Collection method: clinical testing. Allele origin: germline. Affected: yes. Observed: 1 variant allele.

Women's Health and Genetics/Laboratory Corporation of America, LabCorp
Classification: Uncertain significance. Last evaluated: 2024-02-01. Review status: criteria provided, single submitter. Criteria: LabCorp Variant Classification Summary - May 2015. Collection method: clinical testing. Allele origin: germline.
Comment: Variant summary: ACO2 c.2135C>T (p.Pro712Leu) results in a non-conservative amino acid change in the encoded protein sequence. Four of five in-silico tools predict a damaging effect of the variant on protein function. The variant allele was found at a frequency of 3.6e-05 in 250696 control chromosomes. c.2135C>T has been reported in the literature in multiple compound heterozygous individuals affected with infantile cerebellar-retinal degeneration or optic atrophy with spastic paraplegia (e.g. Sadat_2016, Marelli_2018). These data indicate that the variant may be associated with disease. Two publications report experimental evidence evaluating an impact on protein function, showing reduced enzyme activity in patient fibroblasts from compound heterozygous individuals, however, none of these studies allows convincing conclusions about the variant effect (e.g. Sadat_2016, Marelli_2018). The following publications have been ascertained in the context of this evaluation (PMID: 29564393, 26992325). ClinVar contains an entry for this variant (Variation ID: 218317). Based on the evidence outlined above, the variant was classified as VUS-possibly pathogenic.

GeneDx
Classification: Likely pathogenic. Last evaluated: 2021-11-23. Review status: criteria provided, single submitter. Criteria: GeneDx Variant Classification Process June 2021. Collection method: clinical testing. Allele origin: germline. Affected: yes.
Comment: Published functional studies demonstrate a damaging effect on ACO2 enzyme activity (Sadat et al., 2016); In silico analysis, which includes protein predictors and evolutionary conservation, supports a deleterious effect; This variant is associated with the following publications: (PMID: 32519519, 26992325, 31106992, 29564393, 32713659, 33028849, 31589614)

Mendelics
Classification: Likely pathogenic for Infantile cerebellar-retinal degeneration. Last evaluated: 2019-05-28. Review status: criteria provided, single submitter. Criteria: Mendelics Assertion Criteria 2017. Collection method: clinical testing. Allele origin: unknown.

Baylor Genetics
Classification: Likely pathogenic for Infantile cerebellar-retinal degeneration. Last evaluated: 2013-11-14. Review status: criteria provided, single submitter. Criteria: Yang et al. 2013. Collection method: clinical testing. Allele origin: paternal. Inheritance: Autosomal recessive inheritance. Affected: yes. Observed: 1 compound heterozygote. Segregation with disease not observed.

OMIM
Classification: Pathogenic for INFANTILE CEREBELLAR-RETINAL DEGENERATION. Last evaluated: 2022-10-19. Review status: no assertion criteria provided. Collection method: literature only. Allele origin: germline. Not counted in ClinVar's aggregate classification.

Literature cited by the submitters: PubMed 26992325 (cited by 3 submitters); PubMed 29564393 (cited by 3 submitters).